The following is an entry in ClinVar:

ClinVar aggregate classification (germline): Conflicting classifications of pathogenicity. Review status: criteria provided, conflicting classifications (1 of 4 stars). 2 submissions from 2 submitters: Uncertain significance (1); Benign (1). Last evaluated 2025-11-01.

Allele frequency attached by ClinVar (database versions not stated): 1000 Genomes Project 30x 0.00187; gnomAD exomes 0.00013 and 0.00033; ExAC 0.00042; ESP Exome Variant Server 0.00092; gnomAD 0.00118 and 0.00126; TOPMed 0.00142; 1000 Genomes Project 0.00180.
gnomAD v4.1: 362 of 1,595,812 alleles (0.023%); highest among the groups gnomAD compares: African/African-American, 0.46%; no homozygotes.

Submissions (2):

Labcorp Genetics (formerly Invitae), Labcorp
Classification: Benign. Last evaluated: 2025-11-01. Review status: criteria provided, single submitter. Criteria: Invitae Variant Classification Sherloc (09022015). Collection method: clinical testing. Allele origin: germline.

GeneDx
Classification: Uncertain significance. Last evaluated: 2022-10-20. Review status: criteria provided, single submitter. Criteria: GeneDx Variant Classification Process June 2021. Collection method: clinical testing. Allele origin: germline. Affected: yes.
Comment: In silico analysis supports that this missense variant has a deleterious effect on protein structure/function; Has not been previously published as pathogenic or benign to our knowledge

NM_018685.5(ANLN):c.143G>A (p.Ser48Asn)

Gene: ANLN (anillin, actin binding protein; plus strand). Cytogenetic location: 7p14.2.
Variant type: single nucleotide variant.
Coding change: c.143G>A on transcript NM_018685.5 (MANE Select); coding-DNA position 143, G replaced by A.
Protein change: p.Ser48Asn; replaces serine 48 with asparagine.
Molecular consequence: missense variant.
Genome position (GRCh38, 1-based): chr7:36,396,390, G>A. VCF-style: chr7-36396390-G-A. GRCh37 (hg19) VCF-style: chr7-36435999-G-A.
Other names: c.143G>A, p.Ser48Asn (NM_001284301.3, NM_001284302.3); short protein forms S48N.
Identifiers: ClinVar variation 1166530 (VCV001166530.10), dbSNP rs138687537, ClinGen allele CA4219271.
Genomic context (GRCh38, chr7:36,396,390, plus strand): 5'-CAGCAGCTCCAAGGTCTATGACTCATGCTAAGCGAGCTAGACAGCCACTTTCAGAAGCAA[G>A]TAACCAGCAGCCCCTCTCTGGTGGTGAAGGTAAAAGACTTTGTGGGGAAAAATAACATTT-3'
Protein context (NP_061155.2, residues 38-58): KRARQPLSEA[Ser48Asn]NQQPLSGGEE